The following is an entry in ClinVar:

NM_206933.4(USH2A):c.12295-2A>G

Gene: USH2A (usherin; minus strand). Cytogenetic location: 1q41.
Variant type: single nucleotide variant.
Coding change: c.12295-2A>G on transcript NM_206933.4 (MANE Select); the canonical splice acceptor site of the intron before coding-DNA position 12295, A replaced by G.
Molecular consequence: splice acceptor variant.
Genome position (GRCh38, 1-based): chr1:215,675,618, T>C on the plus strand (A>G on the coding strand, the complement: USH2A is on the minus strand). VCF-style: chr1-215675618-T-C. GRCh37 (hg19) VCF-style: chr1-215848960-T-C.
Identifiers: ClinVar variation 48392 (VCV000048392.24), dbSNP rs151148854, ClinGen allele CA262074.
Genomic context (GRCh38, chr1:215,675,618, plus strand): 5'-AGAAACTGACGATTCAAACCAGAGTACTCCAGGAACCCGTCACTGAAGATGTTGTATGTC[T>C]ACAGAAGGACAGAAGCAAAAGGGATAACTTGCAGCATACAATTTCTTTGTGTAGTTACTT-3'

ClinVar aggregate classification (germline): Pathogenic/Likely pathogenic. Review status: criteria provided, multiple submitters, no conflicts (2 of 4 stars). 11 submissions from 10 submitters: Pathogenic (6); Likely pathogenic (4). 1 of the submissions does not count toward it. Last evaluated 2025-09-17.

Conditions:
Rare genetic deafness. Identifiers: Orphanet 96210, MedGen C5680250.
USH2A-related disorder. Also called: USH2A-related condition; USH2A-related disorders. Identifiers: MedGen CN239332.
Usher syndrome type 2A. Also called: USHER SYNDROME, TYPE IIA; RETINAL DISEASE IN USHER SYNDROME TYPE IIA, MODIFIER OF. Identifiers: Orphanet 231178, Orphanet 886, MedGen C1848634, MONDO:0010169, OMIM 276901.
Retinitis pigmentosa 39 (RP39). Identifiers: Orphanet 791, MedGen C3151138, MONDO:0013436, OMIM 613809.
Retinal disorder. Also called: Retinopathy; Retinopathies; Retinal Diseases; Retinal disorders. Identifiers: MedGen C0035309, MONDO:0005283, HP:0000488.

Allele frequency attached by ClinVar (database versions not stated): gnomAD exomes 0.00001 and 0.00002; gnomAD 0.00002; TOPMed 0.00002.
gnomAD v4.1: 19 of 1,614,032 alleles (0.0012%); highest among the groups gnomAD compares: Non-Finnish European, 0.0014%; no homozygotes.

Submissions (11):

Genetics Laboratory, Great Ormond Street Hospital NHS Foundation Trust, North Thames Genomic Laboratory Hub
Classification: Pathogenic for Retinal disorders. Last evaluated: 2025-09-17. Review status: criteria provided, single submitter. Criteria: ACGS Best Practice Guidelines for Variant Classification in Rare Disease 2024 v1.2. Collection method: clinical testing. Allele origin: germline. Affected: yes.
Comment: PM2_moderate, PVS1_very-strong, PS1_supporting, PM3_moderate

Labcorp Genetics (formerly Invitae), Labcorp
Classification: Pathogenic. Last evaluated: 2024-11-13. Review status: criteria provided, single submitter. Criteria: Invitae Variant Classification Sherloc (09022015). Collection method: clinical testing. Allele origin: germline.
Comment: This sequence change affects an acceptor splice site in intron 62 of the USH2A gene. It is expected to disrupt RNA splicing. Variants that disrupt the donor or acceptor splice site typically lead to a loss of protein function (PMID: 16199547), and loss-of-function variants in USH2A are known to be pathogenic (PMID: 10729113, 10909849, 20507924, 25649381). This variant is present in population databases (no rsID available, gnomAD 0.003%). Disruption of this splice site has been observed in individuals with clinical features of Usher syndrome (PMID: 30459346; internal data). ClinVar contains an entry for this variant (Variation ID: 48392). Algorithms developed to predict the effect of sequence changes on RNA splicing suggest that this variant may disrupt the consensus splice site. For these reasons, this variant has been classified as Pathogenic.

Natera, Inc.
Classification: Pathogenic for Usher syndrome type 2A. Last evaluated: 2024-05-31. Review status: criteria provided, single submitter. Criteria: Natera Variant Classification Schema (03/2026). Collection method: clinical testing. Allele origin: germline.
Comment: The c.12295-2A>G variant in USH2A is a canonical splice acceptor site variant predicted to affect pre-mRNA splicing, which may result in an abnormal transcript and altered protein product. This variant is expected to result in nonsense mediated decay, truncation, or a dysfunctional protein product. This variant is rare in the general population with a frequency below the threshold expected for the associated phenotype(s). This variant has been observed in one or more individuals affected with the associated recessive disease, as either homozygous or compound heterozygous with a second variant (PMID: 28559085). Given the available evidence, this variant is classified as Pathogenic.

Fulgent Genetics
Classification: Likely pathogenic for Usher syndrome type 2A; Retinitis pigmentosa 39. Last evaluated: 2024-05-10. Review status: criteria provided, single submitter. Criteria: ACMG Guidelines, 2015. Collection method: clinical testing. Allele origin: germline.

Baylor Genetics
Classification: Likely pathogenic for Retinitis pigmentosa 39. Last evaluated: 2024-03-21. Review status: criteria provided, single submitter. Criteria: ACMG Guidelines, 2015. Collection method: clinical testing. Allele origin: unknown.

Genome-Nilou Lab
Classification: Likely pathogenic for Retinitis pigmentosa 39. Last evaluated: 2023-04-11. Review status: criteria provided, single submitter. Criteria: ACMG Guidelines, 2015. Collection method: clinical testing. Allele origin: germline. Affected: no.

Genome-Nilou Lab
Classification: Likely pathogenic for Usher syndrome type 2A. Last evaluated: 2023-04-11. Review status: criteria provided, single submitter. Criteria: ACMG Guidelines, 2015. Collection method: clinical testing. Allele origin: germline. Affected: no.

Blueprint Genetics
Classification: Pathogenic for USH2A-related disorders. Last evaluated: 2021-11-07. Review status: criteria provided, single submitter. Criteria: ACMG Guidelines, 2015. Collection method: clinical testing. Allele origin: germline. Affected: yes. Observed: 5 variant alleles.

GeneDx
Classification: Pathogenic. Last evaluated: 2021-05-05. Review status: criteria provided, single submitter. Criteria: GeneDx Variant Classification Process June 2021. Collection method: clinical testing. Allele origin: germline. Affected: yes.
Comment: Canonical splice site variant in a gene for which loss-of-function is a known mechanism of disease; Not observed at a significant frequency in large population cohorts (Lek et al., 2016); Reported in ClinVar as pathogenic or likely pathogenic but additional evidence is not available (SCV000065410.5, SCV000795417.1; Landrum et al., 2016); Has not been previously published as pathogenic or benign to our knowledge

Laboratory for Molecular Medicine, Mass General Brigham Personalized Medicine
Classification: Pathogenic for Rare genetic deafness. Last evaluated: 2012-08-28. Review status: criteria provided, single submitter. Criteria: LMM Criteria. Collection method: clinical testing. Allele origin: germline. Inheritance: Autosomal recessive inheritance. Observed: 2 variant alleles.

Counsyl
Classification: Likely pathogenic for Usher syndrome type 2A; Retinitis pigmentosa 39. Last evaluated: 2017-11-14. Review status: no assertion criteria provided. Collection method: clinical testing. Allele origin: unknown. Not counted in ClinVar's aggregate classification.

Literature cited by the submitters: PubMed 16199547 (cited by Labcorp Genetics (formerly Invitae), Labcorp); PubMed 10729113 (cited by Labcorp Genetics (formerly Invitae), Labcorp); PubMed 10909849 (cited by Labcorp Genetics (formerly Invitae), Labcorp); PubMed 20507924 (cited by Labcorp Genetics (formerly Invitae), Labcorp); PubMed 25649381 (cited by Labcorp Genetics (formerly Invitae), Labcorp); PubMed 30459346 (cited by Labcorp Genetics (formerly Invitae), Labcorp); PubMed 28559085 (cited by Natera, Inc.).